The following is an entry in ClinVar:

NM_182914.3(SYNE2):c.6865T>C (p.Leu2289=)

Gene: SYNE2 (spectrin repeat containing nuclear envelope protein 2; plus strand). Cytogenetic location: 14q23.2.
Variant type: single nucleotide variant.
Coding change: c.6865T>C on transcript NM_182914.3 (MANE Select); coding-DNA position 6865, T replaced by C.
Protein change: p.Leu2289=; no amino-acid change (leucine 2289 retained).
Molecular consequence: synonymous variant.
Genome position (GRCh38, 1-based): chr14:64,030,045, T>C. VCF-style: chr14-64030045-T-C. GRCh37 (hg19) VCF-style: chr14-64496763-T-C.
Other names: c.6865T>C, p.Leu2289= (NM_015180.6).
Identifiers: ClinVar variation 130505 (VCV000130505.20), dbSNP rs11850509, ClinGen allele CA155594.
Genomic context (GRCh38, chr14:64,030,045, plus strand): 5'-TCCAAGGAATTTGTCAGTTTTTCTGATAAGCCTGTGGATCAAATAGCGGTTGAGGAAAAA[T>C]TGCAGAAACTGCAGGTACTAAACGGTGTCCAGACATGATAGACATTTAAAAAAAAAAATC-3'
Protein context (NP_878918.2, residues 2279-2299): PVDQIAVEEK[Leu2289=]QKLQELENRL

ClinVar aggregate classification (germline): Benign. Review status: criteria provided, multiple submitters, no conflicts (2 of 4 stars). 5 submissions from 5 submitters: Benign (5). Last evaluated 2026-02-01.

Conditions:
Emery-Dreifuss muscular dystrophy 5, autosomal dominant (EDMD5). Also called: EMERY-DREIFUSS MUSCULAR DYSTROPHY 5. Identifiers: Orphanet 261, MedGen C2751805, MONDO:0013072, OMIM 612999.

Allele frequency attached by ClinVar (database versions not stated): gnomAD exomes 0.04555 and 0.05840; ExAC 0.05771; ESP Exome Variant Server 0.07371; gnomAD 0.07964 and 0.08174; TOPMed 0.08369; 1000 Genomes Project 0.08806; 1000 Genomes Project 30x 0.09166.
gnomAD v4.1: 78,933 of 1,613,850 alleles (4.9%); highest among the groups gnomAD compares: African/African-American, 15%; 2,616 homozygotes.

Submissions (5):

Labcorp Genetics (formerly Invitae), Labcorp
Classification: Benign for Emery-Dreifuss muscular dystrophy 5, autosomal dominant. Last evaluated: 2026-02-01. Review status: criteria provided, single submitter. Criteria: Invitae Variant Classification Sherloc (09022015). Collection method: clinical testing. Allele origin: germline.

GeneDx
Classification: Benign. Last evaluated: 2018-07-09. Review status: criteria provided, single submitter. Criteria: GeneDx Variant Classification Process June 2021. Collection method: clinical testing. Allele origin: germline. Affected: yes.

Illumina Laboratory Services, Illumina
Classification: Benign for Emery-Dreifuss muscular dystrophy 5, autosomal dominant. Last evaluated: 2018-01-13. Review status: criteria provided, single submitter. Criteria: ICSL Variant Classification Criteria 13 December 2019. Collection method: clinical testing. Allele origin: germline.
Comment: This variant was observed in the ICSL laboratory as part of a predisposition screen in an ostensibly healthy population. It had not been previously curated by ICSL or reported in the Human Gene Mutation Database (HGMD: prior to June 1st, 2018), and was therefore a candidate for classification through an automated scoring system. Utilizing variant allele frequency, disease prevalence and penetrance estimates, and inheritance mode, an automated score was calculated to assess if this variant is too frequent to cause the disease. Based on the score and internal cut-off values, a variant classified as benign is not then subjected to further curation. The score for this variant resulted in a classification of benign for this disease.

Genetic Services Laboratory, University of Chicago
Classification: Benign for AllHighlyPenetrant. Last evaluated: 2013-08-15. Review status: criteria provided, single submitter. Criteria: ACMG Guidelines, 2007. Collection method: clinical testing. Allele origin: germline. Inheritance: Autosomal dominant inheritance.

Breakthrough Genomics
Classification: Benign. Review status: criteria provided, single submitter. Criteria: ACMG Guidelines, 2015. Collection method: not provided. Allele origin: germline. Inheritance: Autosomal dominant inheritance. Affected: yes.